The following is an entry in ClinVar:

ClinVar aggregate classification (germline): Uncertain significance (1 of 4 stars; one submission).

Allele frequency attached by ClinVar (database versions not stated): gnomAD exomes below 0.00001.
gnomAD v4.1: 1 of 1,614,152 alleles (0.000062%); highest among the groups gnomAD compares: Admixed American, 0.0017%; no homozygotes.

Submission:

Labcorp Genetics (formerly Invitae), Labcorp
Classification: Uncertain significance. Last evaluated: 2023-12-11. Review status: criteria provided, single submitter. Criteria: Invitae Variant Classification Sherloc (09022015). Collection method: clinical testing. Allele origin: germline.
Comment: This sequence change replaces threonine, which is neutral and polar, with isoleucine, which is neutral and non-polar, at codon 242 of the SERPING1 protein (p.Thr242Ile). This variant is present in population databases (no rsID available, gnomAD 0.003%). This variant has not been reported in the literature in individuals affected with SERPING1-related conditions. ClinVar contains an entry for this variant (Variation ID: 1449033). Advanced modeling of protein sequence and biophysical properties (such as structural, functional, and spatial information, amino acid conservation, physicochemical variation, residue mobility, and thermodynamic stability) has been performed at Invitae for this missense variant, however the output from this modeling did not meet the statistical confidence thresholds required to predict the impact of this variant on SERPING1 protein function. In summary, the available evidence is currently insufficient to determine the role of this variant in disease. Therefore, it has been classified as a Variant of Uncertain Significance.

NM_000062.3(SERPING1):c.725C>T (p.Thr242Ile)

Gene: SERPING1 (serpin family G member 1; plus strand). Cytogenetic location: 11q12.1.
Variant type: single nucleotide variant.
Coding change: c.725C>T on transcript NM_000062.3 (MANE Select); coding-DNA position 725, C replaced by T.
Protein change: p.Thr242Ile; replaces threonine 242 with isoleucine.
Molecular consequence: missense variant.
Genome position (GRCh38, 1-based): chr11:57,606,049, C>T. VCF-style: chr11-57606049-C-T. GRCh37 (hg19) VCF-style: chr11-57373522-C-T.
Other names: c.725C>T, p.Thr242Ile (NM_001032295.2); short protein forms T242I.
Identifiers: ClinVar variation 1449033 (VCV001449033.6), dbSNP rs1162387864, ClinGen allele CA380698735.
Genomic context (GRCh38, chr11:57,606,049, plus strand): 5'-CCTTTCTCAACATACCCCCAGACCTGGCCATAAGGGACACCTTTGTGAATGCCTCTCGGA[C>T]CCTGTACAGCAGCAGCCCCAGAGTCCTAAGCAACAACAGTGACGCCAACTTGGAGCTCAT-3'
Protein context (NP_000053.2, residues 232-252): IRDTFVNASR[Thr242Ile]LYSSSPRVLS